The following is an entry in ClinVar:

ClinVar aggregate classification (germline): Uncertain significance (1 of 4 stars; one submission).

Conditions:
Multiple endocrine neoplasia, type 2 (MEN2). Identifiers: Orphanet 653, MedGen C4048306, MONDO:0019003. Disease mechanism: gain of function.

Submission:

Labcorp Genetics (formerly Invitae), Labcorp
Classification: Uncertain significance for Multiple endocrine neoplasia, type 2. Last evaluated: 2025-09-10. Review status: criteria provided, single submitter. Criteria: Invitae Variant Classification Sherloc (09022015). Collection method: clinical testing. Allele origin: germline.
Comment: This sequence change replaces arginine, which is basic and polar, with histidine, which is basic and polar, at codon 226 of the RET protein (p.Arg226His). This variant is not present in population databases (gnomAD no frequency). This variant has not been reported in the literature in individuals affected with RET-related conditions. ClinVar contains an entry for this variant (Variation ID: 3719863). An algorithm developed to predict the effect of missense changes on protein structure and function (PolyPhen-2) suggests that this variant is likely to be tolerated. In summary, the available evidence is currently insufficient to determine the role of this variant in disease. Therefore, it has been classified as a Variant of Uncertain Significance.

NM_020975.6(RET):c.677G>A (p.Arg226His)

Gene: RET (ret proto-oncogene; plus strand). Cytogenetic location: 10q11.21.
Variant type: single nucleotide variant.
Coding change: c.677G>A on transcript NM_020975.6 (MANE Select); coding-DNA position 677, G replaced by A.
Protein change: p.Arg226His; replaces arginine 226 with histidine.
Molecular consequence: missense variant. On other transcripts: 5 prime UTR variant (1), intron variant (22).
Genome position (GRCh38, 1-based): chr10:43,105,003, G>A. VCF-style: chr10-43105003-G-A. GRCh37 (hg19) VCF-style: chr10-43600451-G-A.
Other names: c.-86G>A (NM_001355216.2); c.677G>A, p.Arg226His (NM_001406743.1, NM_001406744.1, NM_001406759.1 and 6 more transcripts); c.548G>A, p.Arg183His (NM_001406761.1, NM_001406762.1, NM_001406764.1 and 2 more transcripts); c.389G>A, p.Arg130His (NM_001406766.1, NM_001406767.1, NM_001406770.1); c.625+2374G>A (NM_001406773.1, NM_001406771.1, NM_001406782.1 and 5 more transcripts); c.496+2374G>A (NM_001406786.1, NM_001406783.1); c.338-4028G>A (NM_001406778.1, NM_001406775.1, NM_001406776.1 and 1 more transcripts); c.337+4281G>A (NM_001406790.1, NM_001406788.1, NM_001406789.1 and 1 more transcripts); and 2 more; short protein forms R130H, R226H, R183H.
Identifiers: ClinVar variation 3719863 (VCV003719863.2).